The following is an entry in ClinVar:

ClinVar aggregate classification (germline): Conflicting classifications of pathogenicity. Review status: criteria provided, conflicting classifications (1 of 4 stars). 2 submissions from 2 submitters: Uncertain significance (1); Likely benign (1). Last evaluated 2025-02-20.

Conditions:
Acute myeloid leukemia (AML). Also called: Leukemia, acute myeloid, somatic; Leukemia, acute myelogenous, somatic; Acute myeloid leukemia, adult; AML adult; Acute non-lymphocytic leukemia; Acute granulocytic leukemia. Identifiers: Orphanet 519, MedGen C0023467, MeSH D015470, MONDO:0018874, OMIM 601626, HP:0004808. Disease mechanism: Constitutively activated FLT3.
Inborn genetic diseases. Identifiers: MedGen C0950123, MeSH D030342.

gnomAD v4.1: 3 of 1,402,796 alleles (0.00021%); highest among the groups gnomAD compares: Non-Finnish European, 0.00028%; no homozygotes.

Submissions (2):

Ambry Genetics
Classification: Likely benign for Inborn genetic diseases. Last evaluated: 2025-02-20. Review status: criteria provided, single submitter. Criteria: Ambry Variant Classification Scheme 2023. Collection method: clinical testing. Allele origin: germline.

Labcorp Genetics (formerly Invitae), Labcorp
Classification: Uncertain significance for Acute myeloid leukemia. Last evaluated: 2023-07-26. Review status: criteria provided, single submitter. Criteria: Invitae Variant Classification Sherloc (09022015). Collection method: clinical testing. Allele origin: germline.
Comment: In summary, the available evidence is currently insufficient to determine the role of this variant in disease. Therefore, it has been classified as a Variant of Uncertain Significance. An algorithm developed to predict the effect of missense changes on protein structure and function (PolyPhen-2) suggests that this variant is likely to be disruptive. ClinVar contains an entry for this variant (Variation ID: 1505489). This variant has not been reported in the literature in individuals affected with CEBPA-related conditions. This variant is not present in population databases (gnomAD no frequency). This sequence change replaces alanine, which is neutral and non-polar, with glycine, which is neutral and non-polar, at codon 93 of the CEBPA protein (p.Ala93Gly).

NM_004364.5(CEBPA):c.278C>G (p.Ala93Gly)

Gene: CEBPA (CCAAT enhancer binding protein alpha; minus strand). Cytogenetic location: 19q13.11.
Variant type: single nucleotide variant.
Coding change: c.278C>G on transcript NM_004364.5 (MANE Select); coding-DNA position 278, C replaced by G.
Protein change: p.Ala93Gly; replaces alanine 93 with glycine.
Molecular consequence: missense variant. On other transcripts: 5 prime UTR variant (1).
Genome position (GRCh38, 1-based): chr19:33,302,137, G>C on the plus strand (C>G on the coding strand, the complement: CEBPA is on the minus strand). VCF-style: chr19-33302137-G-C. GRCh37 (hg19) VCF-style: chr19-33793043-G-C.
Other names: c.-80C>G (NM_001285829.2); c.383C>G, p.Ala128Gly (NM_001287424.2); c.236C>G, p.Ala79Gly (NM_001287435.2); c.278C>G (NM_004364.3); short protein forms A93G, A128G, A79G.
Identifiers: ClinVar variation 1505489 (VCV001505489.7), dbSNP rs1967191835, ClinGen allele CA405275283.
Genomic context (GRCh38, chr19:33,302,137, plus strand): 5'-GCGGGCGCGCCCGGGTAGTCAAAGTCGCCGCCGCCGCCGCCGCCCGTGGGGCCCACGGCC[G>C]CCTTGGCCTTCTCCTGCTGCCGGCTGTGCTGGAACAGGTCGGCCAGGAACTCGTCGTTGA-3'
Protein context (NP_004355.2, residues 83-103): QHSRQQEKAK[Ala93Gly]AVGPTGGGGG